The following is an entry in ClinVar:

NM_014000.3(VCL):c.2700G>A (p.Met900Ile)

Gene: VCL (vinculin; plus strand). Cytogenetic location: 10q22.2.
Variant type: single nucleotide variant.
Coding change: c.2700G>A on transcript NM_014000.3 (MANE Select); coding-DNA position 2700, G replaced by A.
Protein change: p.Met900Ile; replaces methionine 900 with isoleucine.
Molecular consequence: missense variant.
Genome position (GRCh38, 1-based): chr10:74,109,111, G>A. VCF-style: chr10-74109111-G-A. GRCh37 (hg19) VCF-style: chr10-75868869-G-A.
Other names: c.2700G>A, p.Met900Ile (NM_003373.4); short protein forms M900I.
Identifiers: ClinVar variation 1794932 (VCV001794932.2), dbSNP rs2549234352, ClinGen allele CA377264401.

ClinVar aggregate classification (germline): Uncertain significance (1 of 4 stars; one submission).

Conditions:
Cardiovascular phenotype. Identifiers: MedGen CN230736.

Submission:

Ambry Genetics
Classification: Uncertain significance for Cardiovascular phenotype. Last evaluated: 2020-09-11. Review status: criteria provided, single submitter. Criteria: Ambry Variant Classification Scheme 2023. Collection method: clinical testing. Allele origin: germline.
Comment: The p.M900I variant (also known as c.2700G>A), located in coding exon 18 of the VCL gene, results from a G to A substitution at nucleotide position 2700. The methionine at codon 900 is replaced by isoleucine, an amino acid with highly similar properties. This amino acid position is well conserved in available vertebrate species. In addition, this alteration is predicted to be tolerated by in silico analysis. Since supporting evidence is limited at this time, the clinical significance of this alteration remains unclear.